The following is an entry in ClinVar:

ClinVar aggregate classification (germline): Uncertain significance (1 of 4 stars; one submission).

Conditions:
Hereditary cancer-predisposing syndrome. Also called: Hereditary Cancer Syndrome; Hereditary neoplastic syndrome; Neoplastic Syndromes, Hereditary; Tumor predisposition. Identifiers: Orphanet 140162, MedGen C0027672, MeSH D009386, MONDO:0015356.

Submission:

Ambry Genetics
Classification: Uncertain significance for Hereditary cancer-predisposing syndrome. Last evaluated: 2022-08-29. Review status: criteria provided, single submitter. Criteria: Ambry Variant Classification Scheme 2023. Collection method: clinical testing. Allele origin: germline.
Comment: The p.K187N variant (also known as c.561G>C), located in coding exon 3 of the MSH6 gene, results from a G to C substitution at nucleotide position 561. The lysine at codon 187 is replaced by asparagine, an amino acid with similar properties. This amino acid position is conserved. In addition, this alteration is predicted to be tolerated by in silico analysis. Since supporting evidence is limited at this time, the clinical significance of this alteration remains unclear.

NM_000179.3(MSH6):c.561G>C (p.Lys187Asn)

Gene: MSH6 (mutS homolog 6; plus strand). Cytogenetic location: 2p16.3.
Variant type: single nucleotide variant.
Coding change: c.561G>C on transcript NM_000179.3 (MANE Select); coding-DNA position 561, G replaced by C.
Protein change: p.Lys187Asn; replaces lysine 187 with asparagine.
Molecular consequence: missense variant. On other transcripts: 5 prime UTR variant (1), intron variant (2).
Genome position (GRCh38, 1-based): chr2:47,795,997, G>C. VCF-style: chr2-47795997-G-C. GRCh37 (hg19) VCF-style: chr2-48023136-G-C.
Other names: c.-342G>C (NM_001281494.2); c.657G>C, p.Lys219Asn (NM_001406795.1, NM_001406802.1); c.561G>C, p.Lys187Asn (NM_001406796.1, NM_001406798.1, NM_001406800.1 and 5 more transcripts); c.264G>C, p.Lys88Asn (NM_001406797.1, NM_001406801.1, NM_001406805.1 and 10 more transcripts); c.36G>C, p.Lys12Asn (NM_001406799.1, NM_001406806.1, NM_001406807.1); c.483G>C, p.Lys161Asn (NM_001406804.1); c.567G>C, p.Lys189Asn (NM_001406813.1); c.-434G>C (NM_001406814.1); and 3 more; short protein forms K12N, K161N, K219N, K187N, K189N, K131N, K88N.
Identifiers: ClinVar variation 1748688 (VCV001748688.2), dbSNP rs2104236029, ClinGen allele CA346738771.